The following is an entry in ClinVar:

NM_001349336.2(SLC25A48):c.231T>C (p.Phe77=)

Gene: SLC25A48 (solute carrier family 25 member 48; plus strand). Cytogenetic location: 5q31.1.
Variant type: single nucleotide variant.
Coding change: c.231T>C on transcript NM_001349336.2 (MANE Select); coding-DNA position 231, T replaced by C.
Protein change: p.Phe77=; no amino-acid change (phenylalanine 77 retained).
Molecular consequence: synonymous variant. On other transcripts: non-coding transcript variant (1).
Genome position (GRCh38, 1-based): chr5:135,852,631, T>C. VCF-style: chr5-135852631-T-C. GRCh37 (hg19) VCF-style: chr5-135188320-T-C.
Other names: c.69T>C, p.Phe23= (NM_001349335.2, NM_001349345.2); c.231T>C, p.Phe77= (NM_145282.5).
Identifiers: ClinVar variation 4823553 (VCV004823553.4).

ClinVar aggregate classification (germline): Likely benign (1 of 4 stars; one submission).

Submission:

CeGaT Center for Human Genetics Tuebingen
Classification: Likely benign. Last evaluated: 2026-03-01. Review status: criteria provided, single submitter. Criteria: CeGaT Center For Human Genetics Tuebingen Variant Classification Criteria Version 2. Collection method: clinical testing. Allele origin: germline. Affected: yes. Observed: 1 variant allele.
Comment: SLC25A48: PM2:Supporting, BP4, BP7